The following is an entry in ClinVar:

NM_001961.4(EEF2):c.450C>T (p.Arg150=)

Gene: EEF2 (eukaryotic translation elongation factor 2; minus strand). Cytogenetic location: 19p13.3.
Variant type: single nucleotide variant.
Coding change: c.450C>T on transcript NM_001961.4 (MANE Select); coding-DNA position 450, C replaced by T.
Protein change: p.Arg150=; no amino-acid change (arginine 150 retained).
Molecular consequence: synonymous variant.
Genome position (GRCh38, 1-based): chr19:3,982,969, G>A on the plus strand (C>T on the coding strand, the complement: EEF2 is on the minus strand). VCF-style: chr19-3982969-G-A. GRCh37 (hg19) VCF-style: chr19-3982967-G-A.
Identifiers: ClinVar variation 995090 (VCV000995090.13), dbSNP rs2230561, ClinGen allele CA9089399.

ClinVar aggregate classification (germline): Benign. Review status: criteria provided, multiple submitters, no conflicts (2 of 4 stars). 6 submissions from 6 submitters: Benign (5). 1 of the submissions does not count toward it. Last evaluated 2026-02-02.

Conditions:
EEF2-related disorder. Also called: EEF2-related condition.

Allele frequency attached by ClinVar (database versions not stated): TOPMed 0.06207; 1000 Genomes Project 30x 0.06324; gnomAD 0.06586 and 0.06901; 1000 Genomes Project 0.06589; ESP Exome Variant Server 0.06876; gnomAD exomes 0.08540 and 0.09611; ExAC 0.08845.

Submissions (6):

Labcorp Genetics (formerly Invitae), Labcorp
Classification: Benign. Last evaluated: 2026-02-02. Review status: criteria provided, single submitter. Criteria: Invitae Variant Classification Sherloc (09022015). Collection method: clinical testing. Allele origin: germline.

Blueprint Genetics
Classification: Benign. Last evaluated: 2024-11-28. Review status: criteria provided, single submitter. Criteria: ACMG Guidelines, 2015. Collection method: clinical testing. Allele origin: germline.

GeneDx
Classification: Benign. Last evaluated: 2019-10-02. Review status: criteria provided, single submitter. Criteria: GeneDx Variant Classification Process June 2021. Collection method: clinical testing. Allele origin: germline. Affected: yes.

Athena Diagnostics
Classification: Benign. Last evaluated: 2019-10-01. Review status: criteria provided, single submitter. Criteria: Athena Diagnostics Criteria. Collection method: clinical testing. Allele origin: unknown.

Breakthrough Genomics
Classification: Benign. Review status: criteria provided, single submitter. Criteria: ACMG Guidelines, 2015. Collection method: not provided. Allele origin: germline. Inheritance: Autosomal dominant inheritance. Affected: yes.

PreventionGenetics, part of Exact Sciences
Classification: Benign for EEF2-related condition. Last evaluated: 2019-05-08. Review status: no assertion criteria provided. Collection method: clinical testing. Allele origin: germline. Not counted in ClinVar's aggregate classification.
Comment: This variant is classified as benign based on ACMG/AMP sequence variant interpretation guidelines (Richards et al. 2015 PMID: 25741868, with internal and published modifications).